The following is an entry in ClinVar:

ClinVar aggregate classification (germline): Uncertain significance (1 of 4 stars; one submission).

Conditions:
Inborn genetic diseases. Identifiers: MedGen C0950123, MeSH D030342.

gnomAD v4.1: 2 of 1,614,046 alleles (0.00012%); highest among the groups gnomAD compares: Admixed American, 0.0033%; no homozygotes.

Submission:

Ambry Genetics
Classification: Uncertain significance for Inborn genetic diseases. Last evaluated: 2026-06-03. Review status: criteria provided, single submitter. Criteria: Ambry Variant Classification Scheme 2023. Collection method: clinical testing. Allele origin: germline.
Comment: The c.598G>A (p.G200R) alteration is located in exon 5 (coding exon 5) of the SMARCD1 gene. This alteration results from a G to A substitution at nucleotide position 598, causing the glycine (G) at amino acid position 200 to be replaced by an arginine (R). Based on data from gnomAD, the A allele has an overall frequency of <0.001% (1/251466) total alleles studied. The highest observed frequency was 0.003% (1/34590) of Latino alleles. Based on insufficient or conflicting evidence, the clinical significance of this alteration remains unclear.

NM_003076.5(SMARCD1):c.598G>A (p.Gly200Arg)

Gene: SMARCD1 (SWI/SNF related BAF chromatin remodeling complex subunit D1; plus strand). Cytogenetic location: 12q13.12.
Variant type: single nucleotide variant.
Coding change: c.598G>A on transcript NM_003076.5 (MANE Select); coding-DNA position 598, G replaced by A.
Protein change: p.Gly200Arg; replaces glycine 200 with arginine.
Molecular consequence: missense variant.
Genome position (GRCh38, 1-based): chr12:50,087,429, G>A. VCF-style: chr12-50087429-G-A. GRCh37 (hg19) VCF-style: chr12-50481212-G-A.
Other names: c.598G>A, p.Gly200Arg (NM_139071.3); short protein forms G200R.
Identifiers: ClinVar variation 4864853 (VCV004864853.1).